The following is an entry in ClinVar:

NM_001378418.1(TCF20):c.181G>C (p.Gly61Arg)

Gene: TCF20 (transcription factor 20; minus strand). Cytogenetic location: 22q13.2.
Variant type: single nucleotide variant.
Coding change: c.181G>C on transcript NM_001378418.1 (MANE Select); coding-DNA position 181, G replaced by C.
Protein change: p.Gly61Arg; replaces glycine 61 with arginine.
Molecular consequence: missense variant.
Genome position (GRCh38, 1-based): chr22:42,215,125, C>G on the plus strand (G>C on the coding strand, the complement: TCF20 is on the minus strand). VCF-style: chr22-42215125-C-G. GRCh37 (hg19) VCF-style: chr22-42611131-C-G.
Other names: c.181G>C, p.Gly61Arg (NM_005650.4, NM_181492.3); short protein forms G61R.
Identifiers: ClinVar variation 2301778 (VCV002301778.5), dbSNP rs751875361, ClinGen allele CA10267419.

ClinVar aggregate classification (germline): Uncertain significance. Review status: criteria provided, multiple submitters, no conflicts (2 of 4 stars). 2 submissions from 2 submitters: Uncertain significance (2). Last evaluated 2023-07-03.

Conditions:
Inborn genetic diseases. Identifiers: MedGen C0950123, MeSH D030342.

Allele frequency attached by ClinVar (database versions not stated): TOPMed below 0.00001; ExAC 0.00002.
gnomAD v4.1: 7 of 1,614,112 alleles (0.00043%); highest among the groups gnomAD compares: East Asian, 0.0022%; no homozygotes.

Submissions (2):

Labcorp Genetics (formerly Invitae), Labcorp
Classification: Uncertain significance. Last evaluated: 2023-07-03. Review status: criteria provided, single submitter. Criteria: Invitae Variant Classification Sherloc (09022015). Collection method: clinical testing. Allele origin: germline.
Comment: This variant has not been reported in the literature in individuals affected with TCF20-related conditions. In summary, the available evidence is currently insufficient to determine the role of this variant in disease. Therefore, it has been classified as a Variant of Uncertain Significance. An algorithm developed to predict the effect of missense changes on protein structure and function (PolyPhen-2) suggests that this variant is likely to be disruptive. ClinVar contains an entry for this variant (Variation ID: 2301778). This variant is present in population databases (rs751875361, gnomAD 0.003%). This sequence change replaces glycine, which is neutral and non-polar, with arginine, which is basic and polar, at codon 61 of the TCF20 protein (p.Gly61Arg).

Ambry Genetics
Classification: Uncertain significance for Inborn genetic diseases. Last evaluated: 2022-07-13. Review status: criteria provided, single submitter. Criteria: Ambry Variant Classification Scheme 2023. Collection method: clinical testing. Allele origin: germline.